The following is an entry in ClinVar:

NM_016239.4(MYO15A):c.5638G>A (p.Gly1880Arg)

Gene: MYO15A (myosin XVA; plus strand). Cytogenetic location: 17p11.2.
Variant type: single nucleotide variant.
Coding change: c.5638G>A on transcript NM_016239.4 (MANE Select); coding-DNA position 5638, G replaced by A.
Protein change: p.Gly1880Arg; replaces glycine 1880 with arginine.
Molecular consequence: missense variant.
Genome position (GRCh38, 1-based): chr17:18,141,759, G>A. VCF-style: chr17-18141759-G-A. GRCh37 (hg19) VCF-style: chr17-18045073-G-A.
Other names: short protein forms G1880R.
Identifiers: ClinVar variation 3382795 (VCV003382795.2).

ClinVar aggregate classification (germline): Uncertain significance (1 of 4 stars; one submission).

Conditions:
Autosomal recessive nonsyndromic hearing loss 3. Also called: NEUROSENSORY NONSYNDROMIC RECESSIVE DEAFNESS 3. Identifiers: Orphanet 90636, MedGen C1838263, MONDO:0010860, OMIM 600316.

Submission:

Juno Genomics, Hangzhou Juno Genomics, Inc
Classification: Uncertain significance for Autosomal recessive nonsyndromic hearing loss 3. Review status: criteria provided, single submitter. Criteria: ACMG Guidelines, 2015. Collection method: clinical testing. Allele origin: germline. Affected: yes.
Comment: Absent from controls (or at extremely low frequency if recessive) in Genome Aggregation Database, Exome Sequencing Project, 1000 Genomes Project, or Exome Aggregation Consortium.;Multiple lines of computational evidence support a deleterious effect on the gene or gene product (conservation, evolutionary, splicing impact, etc).